The following is an entry in ClinVar:

NM_001287491.2(TET3):c.3814G>A (p.Val1272Ile)

Gene: TET3 (tet methylcytosine dioxygenase 3; plus strand). Cytogenetic location: 2p13.1.
Variant type: single nucleotide variant.
Coding change: c.3814G>A on transcript NM_001287491.2 (MANE Select); coding-DNA position 3814, G replaced by A.
Protein change: p.Val1272Ile; replaces valine 1272 with isoleucine.
Molecular consequence: missense variant.
Genome position (GRCh38, 1-based): chr2:74,100,602, G>A. VCF-style: chr2-74100602-G-A. GRCh37 (hg19) VCF-style: chr2-74327729-G-A.
Other names: c.3535G>A, p.Val1179Ile (NM_001366022.1); short protein forms V1179I, V1272I.
Identifiers: ClinVar variation 3376187 (VCV003376187.1).

ClinVar aggregate classification (germline): Uncertain significance (1 of 4 stars; one submission).

Conditions:
Beck-Fahrner syndrome (BEFAHRS). Identifiers: Orphanet 684216, MedGen C5394097, MONDO:0032922, OMIM 618798.

gnomAD v4.1: 64 of 1,613,714 alleles (0.004%); highest among the groups gnomAD compares: Admixed American, 0.01%; no homozygotes.

Submission:

Pittsburgh Clinical Genomics Laboratory, University of Pittsburgh Medical Center
Classification: Uncertain significance for Beck-Fahrner syndrome. Last evaluated: 2023-10-24. Review status: criteria provided, single submitter. Criteria: ACMG Guidelines, 2015. Collection method: clinical testing. Allele origin: germline. Inheritance: Autosomal unknown. Affected: yes.
Comment: This sequence variant is a single nucleotide substitution (G>A) at position 3814 of the coding sequence of the TET3 gene that results in a valine to isoleucine amino acid change at residue 1272 of the tet methylcytosine dioxygese 3 protein. This variant is absent from ClinVar and is present in 13 of 280296 alleles (0.0046%) in the gnomAD population dataset. Multiple bioinformatic tools predict that this valine to isoleucine amino acid change would be neutral, and the Val1272 residue at this position is highly conserved across the vertebrate species examined. Studies examining the functiol consequence of this variant have not been published, to our knowledge. At this time, there is insufficient evidence to determine if this variant is pathogenic or benign. Therefore, we consider this a variant of uncertain significance. ACMG Criteria: BP4, PM2